The following is an entry in ClinVar:

ClinVar aggregate classification (germline): Uncertain significance (1 of 4 stars; one submission).

Submission:

GeneDx
Classification: Uncertain significance. Last evaluated: 2025-02-25. Review status: criteria provided, single submitter. Criteria: GeneDx Variant Classification Process June 2021. Collection method: clinical testing. Allele origin: germline. Affected: yes.
Comment: Not observed at significant frequency in large population cohorts (gnomAD); In silico analysis indicates that this missense variant does not alter protein structure/function; Has not been previously published as pathogenic or benign to our knowledge

NM_005045.4(RELN):c.7964T>C (p.Ile2655Thr)

Gene: RELN (reelin; minus strand). Cytogenetic location: 7q22.1.
Variant type: single nucleotide variant.
Coding change: c.7964T>C on transcript NM_005045.4 (MANE Select); coding-DNA position 7964, T replaced by C.
Protein change: p.Ile2655Thr; replaces isoleucine 2655 with threonine.
Molecular consequence: missense variant.
Genome position (GRCh38, 1-based): chr7:103,515,340, A>G on the plus strand (T>C on the coding strand, the complement: RELN is on the minus strand). VCF-style: chr7-103515340-A-G. GRCh37 (hg19) VCF-style: chr7-103155787-A-G.
Other names: c.7964T>C, p.Ile2655Thr (NM_173054.3); short protein forms I2655T.
Identifiers: ClinVar variation 4076888 (VCV004076888.1).